The following is an entry in ClinVar:

ClinVar aggregate classification (germline): Pathogenic/Likely pathogenic. Review status: criteria provided, multiple submitters, no conflicts (2 of 4 stars). 2 submissions from 2 submitters: Pathogenic (1); Likely pathogenic (1). Last evaluated 2026-02-12.

Conditions:
Ichthyosis vulgaris. Also called: ICHTHYOSIS SIMPLEX; Dominant ichthyosis vulgaris. Identifiers: MedGen C0079584, MONDO:0024304, OMIM 146700.

Allele frequency attached by ClinVar (database versions not stated): TOPMed 0.00001; 1000 Genomes Project 0.00120; 1000 Genomes Project 30x 0.00094; gnomAD 0.00006; ExAC 0.00013.

Submissions (2):

GeneDx
Classification: Pathogenic. Last evaluated: 2026-02-12. Review status: criteria provided, single submitter. Criteria: GeneDx Variant Classification Process June 2021. Collection method: clinical testing. Allele origin: germline.
Comment: Frameshift variant predicted to result in protein truncation, as the last 2920 amino acids are replaced with 43 different amino acids, and other loss-of-function variants have been reported downstream in HGMD; Has not been previously published as pathogenic or benign to our knowledge; This variant is associated with the following publications: (PMID: 16444271, 30487145)

Division Of Personalized Genomic Medicine, Columbia University Irving Medical Center
Classification: Likely pathogenic for Ichthyosis vulgaris. Last evaluated: 2019-12-09. Review status: criteria provided, single submitter. Criteria: ACMG Guidelines, 2015. Collection method: clinical testing. Allele origin: paternal. Inheritance: Autosomal recessive inheritance. Affected: yes. Observed: 1 compound heterozygote.
Comment: The c.3424delC variant in the FLG gene causes a frameshift at amino acid 1142/4062 (coding exon 3/3, NM_002016.1), which causes a premature termination codon approximately 44 amino acids downstream of the variant. This variant is present in the Genome Aggregation Database (gnomAD) at a very low frequency (20/251,416; no homologous), indicating it is not a common benign variant in the populations represented in this database. This variant has been reported in the heterozygous state and classified as likely pathogenic in a "generally healthy" individual (PMID: 30487145). Several truncating variants resulting in a premature stop codon closer to the C-terminus have been described as disease causing.

Literature cited by the submitters: PubMed 30487145 (cited by Division Of Personalized Genomic Medicine, Columbia University Irving Medical Center).

NM_002016.2(FLG):c.3424del (p.Gln1142fs)

Genes: CCDST (cervical cancer associated DHX9 suppressive transcript; plus strand), FLG (filaggrin; minus strand). Cytogenetic location: 1q21.3.
Variant type: Deletion.
Coding change: c.3424del on transcript NM_002016.2 (MANE Select); coding-DNA position 3424, one base deleted (C; older notation c.3424delC).
Protein change: p.Gln1142fs; shifts the reading frame from glutamine 1142.
Molecular consequence: frameshift variant.
Genome position (GRCh38, 1-based): chr1:152,311,462, G deleted on the plus strand (C on the coding strand, the reverse complement: FLG is on the minus strand). VCF-style (leftmost placement, unchanged base first): chr1-152311461-TG-T. GRCh37 (hg19) VCF-style: chr1-152283937-TG-T.
Other names: c.3424del (NM_002016.1); c.3424delC, p.Gln1142Lysfs (NM_002016.1); c.3424delC (NM_002016.2); short protein forms Q1142fs.
Identifiers: ClinVar variation 2581071 (VCV002581071.4), dbSNP rs542661380, ClinGen allele CA1106688.